The following is an entry in ClinVar:

NM_015378.4(VPS13D):c.4650C>G (p.Asp1550Glu)

Gene: VPS13D (vacuolar protein sorting 13 homolog D; plus strand). Cytogenetic location: 1p36.22.
Variant type: single nucleotide variant.
Coding change: c.4650C>G on transcript NM_015378.4 (MANE Select); coding-DNA position 4650, C replaced by G.
Protein change: p.Asp1550Glu; replaces aspartic acid 1550 with glutamic acid.
Molecular consequence: missense variant.
Genome position (GRCh38, 1-based): chr1:12,282,752, C>G. VCF-style: chr1-12282752-C-G. GRCh37 (hg19) VCF-style: chr1-12342809-C-G.
Other names: c.4650C>G, p.Asp1550Glu (NM_018156.4); short protein forms D1550E.
Identifiers: ClinVar variation 1959283 (VCV001959283.5), dbSNP rs1641823349, ClinGen allele CA338481222.

ClinVar aggregate classification (germline): Uncertain significance (1 of 4 stars; one submission).

Submission:

Labcorp Genetics (formerly Invitae), Labcorp
Classification: Uncertain significance. Last evaluated: 2022-07-20. Review status: criteria provided, single submitter. Criteria: Invitae Variant Classification Sherloc (09022015). Collection method: clinical testing. Allele origin: germline.
Comment: In summary, the available evidence is currently insufficient to determine the role of this variant in disease. Therefore, it has been classified as a Variant of Uncertain Significance. Algorithms developed to predict the effect of missense changes on protein structure and function are either unavailable or do not agree on the potential impact of this missense change (SIFT: "Not Available"; PolyPhen-2: "Probably Damaging"; Align-GVGD: "Not Available"). This variant has not been reported in the literature in individuals affected with VPS13D-related conditions. This variant is not present in population databases (gnomAD no frequency). This sequence change replaces aspartic acid, which is acidic and polar, with glutamic acid, which is acidic and polar, at codon 1550 of the VPS13D protein (p.Asp1550Glu).